The following is an entry in ClinVar:

NM_000435.3(NOTCH3):c.1867G>A (p.Asp623Asn)

Gene: NOTCH3 (notch receptor 3; minus strand). Cytogenetic location: 19p13.12.
Variant type: single nucleotide variant.
Coding change: c.1867G>A on transcript NM_000435.3 (MANE Select); coding-DNA position 1867, G replaced by A.
Protein change: p.Asp623Asn; replaces aspartic acid 623 with asparagine.
Molecular consequence: missense variant.
Genome position (GRCh38, 1-based): chr19:15,186,962, C>T on the plus strand (G>A on the coding strand, the complement: NOTCH3 is on the minus strand). VCF-style: chr19-15186962-C-T. GRCh37 (hg19) VCF-style: chr19-15297773-C-T.
Other names: c.1867G>A (NM_000435.2); short protein forms D623N.
Identifiers: ClinVar variation 2649442 (VCV002649442.24), dbSNP rs2512657073, ClinGen allele CA404524332.

ClinVar aggregate classification (germline): Uncertain significance. Review status: criteria provided, multiple submitters, no conflicts (2 of 4 stars). 2 submissions from 2 submitters: Uncertain significance (2). Last evaluated 2025-04-29.

Conditions:
Inborn genetic diseases. Identifiers: MedGen C0950123, MeSH D030342.

Submissions (2):

Ambry Genetics
Classification: Uncertain significance for Inborn genetic diseases. Last evaluated: 2025-04-29. Review status: criteria provided, single submitter. Criteria: Ambry Variant Classification Scheme 2023. Collection method: clinical testing. Allele origin: germline.

CeGaT Center for Human Genetics Tuebingen
Classification: Uncertain significance. Last evaluated: 2023-07-01. Review status: criteria provided, single submitter. Criteria: CeGaT Center For Human Genetics Tuebingen Variant Classification Criteria Version 2. Collection method: clinical testing. Allele origin: germline. Affected: yes. Observed: 1 variant allele.
Comment: NOTCH3: PM2